The following is an entry in ClinVar:

ClinVar aggregate classification (germline): Uncertain significance (1 of 4 stars; one submission).

Conditions:
Predisposition to invasive fungal disease due to CARD9 deficiency (IMD103). Also called: IMMUNODEFICIENCY 103, SUSCEPTIBILITY TO FUNGAL INFECTIONS; CARD9 IMMUNODEFICIENCY; Candidiasis, familial, 2, autosomal recessive. Identifiers: Orphanet 457088, MedGen C1859353, MONDO:0008905, OMIM 212050.

Submission:

Labcorp Genetics (formerly Invitae), Labcorp
Classification: Uncertain significance for Predisposition to invasive fungal disease due to CARD9 deficiency. Last evaluated: 2024-01-04. Review status: criteria provided, single submitter. Criteria: Invitae Variant Classification Sherloc (09022015). Collection method: clinical testing. Allele origin: germline.
Comment: This sequence change replaces phenylalanine, which is neutral and non-polar, with leucine, which is neutral and non-polar, at codon 465 of the CARD9 protein (p.Phe465Leu). This variant is not present in population databases (gnomAD no frequency). This variant has not been reported in the literature in individuals affected with CARD9-related conditions. Algorithms developed to predict the effect of missense changes on protein structure and function output the following: SIFT: "Not Available"; PolyPhen-2: "Benign"; Align-GVGD: "Not Available". The leucine amino acid residue is found in multiple mammalian species, which suggests that this missense change does not adversely affect protein function. In summary, the available evidence is currently insufficient to determine the role of this variant in disease. Therefore, it has been classified as a Variant of Uncertain Significance.

NM_052813.5(CARD9):c.1395T>G (p.Phe465Leu)

Gene: CARD9 (caspase recruitment domain family member 9; minus strand). Cytogenetic location: 9q34.3.
Variant type: single nucleotide variant.
Coding change: c.1395T>G on transcript NM_052813.5 (MANE Select); coding-DNA position 1395, T replaced by G.
Protein change: p.Phe465Leu; replaces phenylalanine 465 with leucine.
Molecular consequence: missense variant.
Genome position (GRCh38, 1-based): chr9:136,365,180, A>C on the plus strand (T>G on the coding strand, the complement: CARD9 is on the minus strand). VCF-style: chr9-136365180-A-C. GRCh37 (hg19) VCF-style: chr9-139259632-A-C.
Other names: c.1395T>G, p.Phe465Leu (NM_052814.4); short protein forms F465L.
Identifiers: ClinVar variation 2707373 (VCV002707373.3), dbSNP rs776273002, ClinGen allele CA375541868.